The following is an entry in ClinVar:

NM_006306.4(SMC1A):c.2575C>T (p.His859Tyr)

Gene: SMC1A (structural maintenance of chromosomes 1A; minus strand). Cytogenetic location: Xp11.22.
Variant type: single nucleotide variant.
Coding change: c.2575C>T on transcript NM_006306.4 (MANE Select); coding-DNA position 2575, C replaced by T.
Protein change: p.His859Tyr; replaces histidine 859 with tyrosine.
Molecular consequence: missense variant.
Genome position (GRCh38, 1-based): chrX:53,396,605, G>A on the plus strand (C>T on the coding strand, the complement: SMC1A is on the minus strand). VCF-style: chrX-53396605-G-A. GRCh37 (hg19) VCF-style: chrX-53423525-G-A.
Other names: c.2509C>T, p.His837Tyr (NM_001281463.1); short protein forms H837Y, H859Y.
Identifiers: ClinVar variation 2502663 (VCV002502663.3), dbSNP rs2520893023, ClinGen allele CA413249057.

ClinVar aggregate classification (germline): Uncertain significance (1 of 4 stars; one submission).

Submission:

GeneDx
Classification: Uncertain significance. Last evaluated: 2022-11-16. Review status: criteria provided, single submitter. Criteria: GeneDx Variant Classification Process June 2021. Collection method: clinical testing. Allele origin: germline. Affected: yes.
Comment: Not observed at significant frequency in large population cohorts (gnomAD); Missense variants in this gene are often considered pathogenic (HGMD); In silico analysis supports that this missense variant does not alter protein structure/function; Has not been previously published as pathogenic or benign to our knowledge